The following is an entry in ClinVar:

ClinVar aggregate classification (germline): Uncertain significance (1 of 4 stars; one submission).

Conditions:
Developmental and epileptic encephalopathy, 2 (DEE2). Also called: INFANTILE SPASM SYNDROME, X-LINKED 2; CDKL5 deficiency disorder. Identifiers: Orphanet 1934, Orphanet 3451, Orphanet 505652, MedGen C4750718, MONDO:0010396, OMIM 300672.
Angelman syndrome-like. Identifiers: MedGen CN128785.

Submission:

Labcorp Genetics (formerly Invitae), Labcorp
Classification: Uncertain significance for Developmental and epileptic encephalopathy, 2; Angelman syndrome-like. Last evaluated: 2019-09-04. Review status: criteria provided, single submitter. Criteria: Invitae Variant Classification Sherloc (09022015). Collection method: clinical testing. Allele origin: germline.
Comment: This variant results in a copy number gain of the genomic region encompassing exons 4-21 of the CDKL5 gene. The 5' boundary is likely confined to intron 3. The 3' end of this event is unknown as it extends beyond the assayed region for this gene and therefore may encompass additional genes. As the precise location of this event is unknown, it may be in tandem or it may be located elsewhere in the genome. This variant has not been reported in the literature in individuals with CDKL5-related conditions. In summary, the available evidence is currently insufficient to determine the role of this variant in disease. Therefore, it has been classified as a Variant of Uncertain Significance.

NC_000023.11:g.(?_18564457)_(18653564_?)dup

Genes: CDKL5 (cyclin dependent kinase like 5; plus strand), RS1 (retinoschisin 1; minus strand). Cytogenetic location: Xp22.13.
Variant type: Duplication.
Identifiers: ClinVar variation 831636 (VCV000831636.2).